The following is an entry in ClinVar:

NM_001018005.2(TPM1):c.94G>T (p.Ala32Ser)

Gene: TPM1 (tropomyosin 1; plus strand). Cytogenetic location: 15q22.2.
Variant type: single nucleotide variant.
Coding change: c.94G>T on transcript NM_001018005.2 (MANE Select); coding-DNA position 94, G replaced by T.
Protein change: p.Ala32Ser; replaces alanine 32 with serine.
Molecular consequence: missense variant.
Genome position (GRCh38, 1-based): chr15:63,042,923, G>T. VCF-style: chr15-63042923-G-T. GRCh37 (hg19) VCF-style: chr15-63335122-G-T.
Other names: c.94G>T, p.Ala32Ser (NM_000366.6, NM_001018004.2, NM_001018006.2 and 7 more transcripts); short protein forms A32S.
Identifiers: ClinVar variation 1172150 (VCV001172150.5), dbSNP rs2140596321, ClinGen allele CA392718133.
Genomic context (GRCh38, chr15:63,042,923, plus strand): 5'-AAGCTCGACAAGGAGAACGCCTTGGATCGAGCTGAGCAGGCGGAGGCCGACAAGAAGGCG[G>T]CGGAAGACAGGAGCAAGCAGGTCTGCGCCTCCCCGGCCCTGCGCCCGCGCCCAGAGCGCC-3'
Protein context (NP_001018005.1, residues 22-42): AEQAEADKKA[Ala32Ser]EDRSKQLEDE

ClinVar aggregate classification (germline): Uncertain significance. Review status: criteria provided, multiple submitters, no conflicts (2 of 4 stars). 2 submissions from 2 submitters: Uncertain significance (2). Last evaluated 2024-03-06.

Conditions:
Cardiomyopathy (CMYO). Also called: Cardiomyopathies. Identifiers: Orphanet 167848, MedGen C0878544, MONDO:0004994, HP:0001638. Inheritance: Various modes of inheritance.
Cardiovascular phenotype. Identifiers: MedGen CN230736.

Submissions (2):

Color Diagnostics, LLC DBA Color Health
Classification: Uncertain significance for Cardiomyopathy. Last evaluated: 2024-03-06. Review status: criteria provided, single submitter. Criteria: ACMG Guidelines, 2015. Collection method: clinical testing. Allele origin: germline.
Comment: This missense variant replaces alanine with serine at codon 32 of the TPM1 protein. Computational prediction is inconclusive regarding the impact of this variant on protein structure and function (internally defined REVEL score threshold 0.5 < inconclusive < 0.7, PMID: 27666373). To our knowledge, functional studies have not been reported for this variant. This variant has not been reported in individuals affected with cardiovascular disorders in the literature. This variant has not been identified in the general population by the Genome Aggregation Database (gnomAD). The available evidence is insufficient to determine the role of this variant in disease conclusively. Therefore, this variant is classified as a Variant of Uncertain Significance.

Ambry Genetics
Classification: Uncertain significance for Cardiovascular phenotype. Last evaluated: 2020-01-24. Review status: criteria provided, single submitter. Criteria: Ambry Variant Classification Scheme 2023. Collection method: clinical testing. Allele origin: germline.
Comment: The p.A32S variant (also known as c.94G>T), located in coding exon 1 of the TPM1 gene, results from a G to T substitution at nucleotide position 94. The alanine at codon 32 is replaced by serine, an amino acid with similar properties. This amino acid position is highly conserved in available vertebrate species. In addition, the in silico prediction for this alteration is inconclusive. Since supporting evidence is limited at this time, the clinical significance of this alteration remains unclear.